The following is an entry in ClinVar:

ClinVar aggregate classification (germline): Uncertain significance (1 of 4 stars; one submission).

Conditions:
Polycystic kidney disease 7 (PKD7). Identifiers: MedGen C5774222, MONDO:0031062, OMIM 620056.

gnomAD v4.1: 3 of 1,611,324 alleles (0.00019%); highest among the groups gnomAD compares: Non-Finnish European, 0.000085%; no homozygotes.

Submission:

MVZ Medizinische Genetik Mainz
Classification: Uncertain significance for Polycystic kidney disease 7. Last evaluated: 2025-02-03. Review status: criteria provided, single submitter. Criteria: UK Practice Guidelines For Variant Classification V4 01 2020. Collection method: clinical testing. Allele origin: germline. Inheritance: Autosomal dominant inheritance. Affected: yes. Observed: 1 variant allele.
Comment: ACMG Criteria: PM2_SUP

NM_013338.5(ALG5):c.638C>T (p.Thr213Ile)

Gene: ALG5 (ALG5 dolichyl-phosphate beta-glucosyltransferase; minus strand). Cytogenetic location: 13q13.3.
Variant type: single nucleotide variant.
Coding change: c.638C>T on transcript NM_013338.5 (MANE Select); coding-DNA position 638, C replaced by T.
Protein change: p.Thr213Ile; replaces threonine 213 with isoleucine.
Molecular consequence: missense variant.
Genome position (GRCh38, 1-based): chr13:36,965,710, G>A on the plus strand (C>T on the coding strand, the complement: ALG5 is on the minus strand). VCF-style: chr13-36965710-G-A. GRCh37 (hg19) VCF-style: chr13-37539847-G-A.
Other names: c.548C>T, p.Thr183Ile (NM_001142364.1); short protein forms T183I, T213I.
Identifiers: ClinVar variation 3764802 (VCV003764802.1).